The following is an entry in ClinVar:

NM_001089.3(ABCA3):c.3228C>G (p.Asn1076Lys)

Gene: ABCA3 (ATP binding cassette subfamily A member 3; minus strand). Cytogenetic location: 16p13.3.
Variant type: single nucleotide variant.
Coding change: c.3228C>G on transcript NM_001089.3 (MANE Select); coding-DNA position 3228, C replaced by G.
Protein change: p.Asn1076Lys; replaces asparagine 1076 with lysine.
Molecular consequence: missense variant.
Genome position (GRCh38, 1-based): chr16:2,286,744, G>C on the plus strand (C>G on the coding strand, the complement: ABCA3 is on the minus strand). VCF-style: chr16-2286744-G-C. GRCh37 (hg19) VCF-style: chr16-2336745-G-C.
Other names: c.3228C>G (NM_001089.2); short protein forms N1076K.
Identifiers: ClinVar variation 932907 (VCV000932907.4), dbSNP rs2093663770, ClinGen allele CA394319336.
Genomic context (GRCh38, chr16:2,286,744, plus strand): 5'-GTGCACATACTCGTTAAACTGGTCCTTGGCAGCCTGCAGGGCGCTCCGGGGCTGGGGGAA[G>C]TTGGAGACCACAATGGAGGCGTGAGGCCCGCACAGCAGCTTGAACAGAAGGTTGTCCACG-3'
Protein context (NP_001080.2, residues 1066-1086): CGPHASIVVS[Asn1076Lys]FPQPRSALQA

ClinVar aggregate classification (germline): Conflicting classifications of pathogenicity. Review status: criteria provided, conflicting classifications (1 of 4 stars). 3 submissions from 3 submitters: Likely pathogenic (2); Uncertain significance (1). Last evaluated 2025-03-25.

Conditions:
Hereditary pulmonary alveolar proteinosis. Also called: Pulmonary surfactant metabolism dysfunction. Identifiers: Orphanet 264675, MedGen C3711368, MONDO:0012580.
Interstitial lung disease due to ABCA3 deficiency. Also called: PULMONARY ALVEOLAR PROTEINOSIS, CONGENITAL, 3. Identifiers: Orphanet 440402, MedGen C1970456, MONDO:0012582, OMIM 610921.

Allele frequency attached by ClinVar (database versions not stated): gnomAD exomes below 0.00001; gnomAD 0.00001.
gnomAD v4.1: 7 of 1,613,930 alleles (0.00043%); highest among the groups gnomAD compares: African/African-American, 0.004%; no homozygotes.

Submissions (3):

First Genomix Gene Laboratory, Genetic Diagnostics Department
Classification: Likely pathogenic for Interstitial lung disease due to ABCA3 deficiency. Last evaluated: 2025-03-25. Review status: criteria provided, single submitter. Criteria: ACMG Guidelines, 2015. Collection method: clinical testing. Allele origin: germline. Inheritance: Autosomal recessive inheritance. Affected: no. Observed: 1 variant allele.

Johns Hopkins Genomics, Johns Hopkins University
Classification: Likely pathogenic for Interstitial lung disease due to ABCA3 deficiency. Last evaluated: 2020-01-09. Review status: criteria provided, single submitter. Criteria: ACMG Guidelines, 2015. Collection method: clinical testing. Allele origin: germline.

Ambry Genetics
Classification: Uncertain significance for Hereditary pulmonary alveolar proteinosis. Last evaluated: 2014-06-30. Review status: criteria provided, single submitter. Criteria: Ambry Variant Classification Scheme 2023. Collection method: clinical testing. Allele origin: germline.
Comment: The p.N1076K variant (also known as c.3228C>G), located in coding exon 19 of the ABCA3 gene, results from a C to G substitution at nucleotide position 3228. The asparagine at codon 1076 is replaced by lysine, an amino acid with similar properties. In the ESP, this variant was not observed in 6498 samples (12996 alleles) with coverage at this position. This amino acid position is highly conserved on sequence alignment. In addition, the in silico prediction for this alteration is inconclusive.

Literature cited by the submitters: PubMed 15976379 (cited by Ambry Genetics).